The following is an entry in ClinVar:

ClinVar aggregate classification (germline): Uncertain significance. Review status: criteria provided, multiple submitters, no conflicts (2 of 4 stars). 2 submissions from 2 submitters: Uncertain significance (2). Last evaluated 2025-09-28.

Conditions:
Hereditary cancer-predisposing syndrome. Also called: Neoplastic Syndromes, Hereditary; Hereditary neoplastic syndrome; Tumor predisposition; Hereditary Cancer Syndrome. Identifiers: Orphanet 140162, MedGen C0027672, MeSH D009386, MONDO:0015356.
Rhabdoid tumor predisposition syndrome 2 (RTPS2). Identifiers: Orphanet 231108, Orphanet 69077, MedGen C2750074, MONDO:0013224, OMIM 613325.

Allele frequency attached by ClinVar (database versions not stated): gnomAD exomes below 0.00001; ExAC 0.00001.
gnomAD v4.1: 2 of 1,612,408 alleles (0.00012%); highest among the groups gnomAD compares: Non-Finnish European, 0.00017%; no homozygotes.

Submissions (2):

Ambry Genetics
Classification: Uncertain significance for Hereditary cancer-predisposing syndrome. Last evaluated: 2025-09-28. Review status: criteria provided, single submitter. Criteria: Ambry Variant Classification Scheme 2023. Collection method: clinical testing. Allele origin: germline.
Comment: The p.P299L variant (also known as c.896C>T), located in coding exon 5 of the SMARCA4 gene, results from a C to T substitution at nucleotide position 896. The proline at codon 299 is replaced by leucine, an amino acid with similar properties. This amino acid position is conserved. In addition, the in silico prediction for this alteration is inconclusive. Based on the available evidence, the clinical significance of this variant remains unclear.

Labcorp Genetics (formerly Invitae), Labcorp
Classification: Uncertain significance for Rhabdoid tumor predisposition syndrome 2. Last evaluated: 2025-06-03. Review status: criteria provided, single submitter. Criteria: Invitae Variant Classification Sherloc (09022015). Collection method: clinical testing. Allele origin: germline.
Comment: This sequence change replaces proline, which is neutral and non-polar, with leucine, which is neutral and non-polar, at codon 299 of the SMARCA4 protein (p.Pro299Leu). The frequency data for this variant in the population databases is considered unreliable, as metrics indicate poor data quality at this position in the gnomAD database. This variant has not been reported in the literature in individuals affected with SMARCA4-related conditions. ClinVar contains an entry for this variant (Variation ID: 238528). Invitae Evidence Modeling of protein sequence and biophysical properties (such as structural, functional, and spatial information, amino acid conservation, physicochemical variation, residue mobility, and thermodynamic stability) has been performed for this missense variant. However, the output from this modeling did not meet the statistical confidence thresholds required to predict the impact of this variant on SMARCA4 protein function. In summary, the available evidence is currently insufficient to determine the role of this variant in disease. Therefore, it has been classified as a Variant of Uncertain Significance.

NM_003072.5(SMARCA4):c.896C>T (p.Pro299Leu)

Gene: SMARCA4 (SWI/SNF related BAF chromatin remodeling complex subunit ATPase 4; plus strand). Cytogenetic location: 19p13.2.
Variant type: single nucleotide variant.
Coding change: c.896C>T on transcript NM_003072.5 (MANE Select); coding-DNA position 896, C replaced by T.
Protein change: p.Pro299Leu; replaces proline 299 with leucine.
Molecular consequence: missense variant. On other transcripts: non-coding transcript variant (1).
Genome position (GRCh38, 1-based): chr19:10,987,702, C>T. VCF-style: chr19-10987702-C-T. GRCh37 (hg19) VCF-style: chr19-11098378-C-T.
Other names: c.896C>T, p.Pro299Leu (NM_001128849.3, NM_001374457.1, NM_001128844.3 and 5 more transcripts); short protein forms P299L.
Identifiers: ClinVar variation 238528 (VCV000238528.9), dbSNP rs770464856, ClinGen allele CA9203624.
Genomic context (GRCh38, chr19:10,987,702, plus strand): 5'-CCCTGGCCCCTTGCCTTCTCCCAGGACCCATGGCGAATGCTGCTGCCCCCACGAGCACCC[C>T]TCAGAAGCTGATTCCCCCGCAGCCAACGGGCCGCCCTTCCCCCGCGCCCCCTGCCGTCCC-3'
Protein context (NP_003063.2, residues 289-309): MANAAAPTST[Pro299Leu]QKLIPPQPTG